The following is an entry in ClinVar:

NM_001127208.3(TET2):c.2864A>G (p.His955Arg)

Genes: TET2 (tet methylcytosine dioxygenase 2; plus strand), TET2-AS1 (TET2 antisense RNA 1; minus strand). Cytogenetic location: 4q24.
Variant type: single nucleotide variant.
Coding change: c.2864A>G on transcript NM_001127208.3 (MANE Select); coding-DNA position 2864, A replaced by G.
Protein change: p.His955Arg; replaces histidine 955 with arginine.
Molecular consequence: missense variant.
Genome position (GRCh38, 1-based): chr4:105,236,806, A>G. VCF-style: chr4-105236806-A-G. GRCh37 (hg19) VCF-style: chr4-106157963-A-G.
Other names: c.2864A>G, p.His955Arg (NM_017628.4); short protein forms H955R.
Identifiers: ClinVar variation 3967569 (VCV003967569.1).

ClinVar aggregate classification (germline): Uncertain significance (1 of 4 stars; one submission).

Submission:

Ambry Genetics
Classification: Uncertain significance. Last evaluated: 2025-04-18. Review status: criteria provided, single submitter. Criteria: Ambry Variant Classification Scheme 2023. Collection method: clinical testing. Allele origin: germline.
Comment: The p.H955R variant (also known as c.2864A>G), located in coding exon 1 of the TET2 gene, results from an A to G substitution at nucleotide position 2864. The histidine at codon 955 is replaced by arginine, an amino acid with highly similar properties. This amino acid position is conserved. In addition, this alteration is predicted to be tolerated by in silico analysis. Based on the available evidence, the clinical significance of this variant remains unclear.